The following is an entry in ClinVar:

ClinVar aggregate classification (germline): Likely benign (1 of 4 stars; one submission).

Submission:

CeGaT Center for Human Genetics Tuebingen
Classification: Likely benign. Last evaluated: 2022-12-01. Review status: criteria provided, single submitter. Criteria: CeGaT Center For Human Genetics Tuebingen Variant Classification Criteria Version 2. Collection method: clinical testing. Allele origin: germline. Affected: yes. Observed: 1 variant allele.
Comment: CIC: PM2:Supporting, BP4, BP7

NM_001386298.1(CIC):c.3504C>A (p.Ala1168=)

Gene: CIC (capicua transcriptional repressor; plus strand). Cytogenetic location: 19q13.2.
Variant type: single nucleotide variant.
Coding change: c.3504C>A on transcript NM_001386298.1 (MANE Select); coding-DNA position 3504, C replaced by A.
Protein change: p.Ala1168=; no amino-acid change (alanine 1168 retained).
Molecular consequence: synonymous variant.
Genome position (GRCh38, 1-based): chr19:42,287,821, C>A. VCF-style: chr19-42287821-C-A. GRCh37 (hg19) VCF-style: chr19-42791973-C-A.
Other names: c.3504C>A, p.Ala1168= (NM_001304815.2, NM_001379480.1, NM_001379482.1 and 1 more transcripts); c.777C>A, p.Ala259= (NM_001379484.1, NM_001379485.1, NM_015125.5).
Identifiers: ClinVar variation 2649982 (VCV002649982.24), dbSNP rs191518667, ClinGen allele CA507703569.